The following is an entry in ClinVar:

NM_006260.5(DNAJC3):c.862A>G (p.Thr288Ala)

Gene: DNAJC3 (DnaJ heat shock protein family (Hsp40) member C3; plus strand). Cytogenetic location: 13q32.1.
Variant type: single nucleotide variant.
Coding change: c.862A>G on transcript NM_006260.5 (MANE Select); coding-DNA position 862, A replaced by G.
Protein change: p.Thr288Ala; replaces threonine 288 with alanine.
Molecular consequence: missense variant.
Genome position (GRCh38, 1-based): chr13:95,763,656, A>G. VCF-style: chr13-95763656-A-G. GRCh37 (hg19) VCF-style: chr13-96415910-A-G.
Other names: short protein forms T288A.
Identifiers: ClinVar variation 4980753 (VCV004980753.1).

ClinVar aggregate classification (germline): Uncertain significance (1 of 4 stars; one submission).

Conditions:
DNAJC3-related disorder. Also called: DNAJC3-related condition.

gnomAD v4.1: 546 of 1,613,602 alleles (0.034%); highest among the groups gnomAD compares: Non-Finnish European, 0.043%; no homozygotes.

Submission:

PreventionGenetics, part of Exact Sciences
Classification: Uncertain significance for DNAJC3-related condition. Last evaluated: 2026-09-16. Review status: criteria provided, single submitter. Criteria: ACMG Guidelines, 2015. Collection method: clinical testing. Allele origin: germline.
Comment: The DNAJC3 c.862A>G variant is predicted to result in the amino acid substitution p.Thr288Ala. To our knowledge, this variant has not been reported in the literature. This variant is reported in 0.029% of alleles in individuals of European (Non-Finnish) descent in gnomAD. At this time, the clinical significance of this variant is uncertain due to the absence of conclusive functional and genetic evidence.